The following is an entry in ClinVar:

ClinVar aggregate classification (germline): Conflicting classifications of pathogenicity. Review status: criteria provided, conflicting classifications (1 of 4 stars). 4 submissions from 4 submitters: Likely pathogenic (1); Uncertain significance (2). 1 of the submissions does not count toward it. Last evaluated 2025-10-13.

Conditions:
Neuronopathy, distal hereditary motor, autosomal recessive 10 (HMNR10). Also called: NEUROPATHY, DISTAL HEREDITARY MOTOR, AUTOSOMAL RECESSIVE 10; VRK1-RELATED MOTOR NEURON DISEASE. Identifiers: MedGen C5882703, MONDO:0957876, OMIM 620542.
Pontocerebellar hypoplasia type 1A (PCH1A). Also called: PONTOCEREBELLAR HYPOPLASIA WITH ANTERIOR HORN CELL DISEASE; PONTOCEREBELLAR HYPOPLASIA WITH INFANTILE SPINAL MUSCULAR ATROPHY. Identifiers: Orphanet 2254, Orphanet 88616, MedGen C1843504, MONDO:0011866, OMIM 607596.

Allele frequency attached by ClinVar (database versions not stated): gnomAD exomes below 0.00001 and 0.00001; TOPMed below 0.00001; gnomAD 0.00001; ExAC 0.00002.
gnomAD v4.1: 7 of 1,613,592 alleles (0.00043%); highest among the groups gnomAD compares: East Asian, 0.0089%; no homozygotes.

Submissions (4):

Myriad Genetics, Inc.
Classification: Uncertain significance for Pontocerebellar hypoplasia type 1A. Last evaluated: 2025-10-13. Review status: criteria provided, single submitter. Criteria: Myriad Autosomal Dominant, Autosomal Recessive and X-Linked Classification Criteria (2023). Collection method: clinical testing. Allele origin: unknown.
Comment: NM_003384.2(VRK1):c.397C>T(R133C) is a missense variant classified as a variant of uncertain significance in the context of pontocerebellar hypoplasia, VRK1-related. R133C has been observed in a case with relevant disease (PMID: 21937992). Relevant functional assessments of this variant are available in the literature (PMID: 38554151, 31527692). R133C has been observed in referenced population frequency databases. In summary, there is insufficient evidence to classify NM_003384.2(VRK1):c.397C>T(R133C) as pathogenic or benign. Please note: this variant was assessed in the context of healthy population screening.

Fulgent Genetics
Classification: Likely pathogenic for Pontocerebellar hypoplasia type 1A; Neuronopathy, distal hereditary motor, autosomal recessive 10. Last evaluated: 2024-06-19. Review status: criteria provided, single submitter. Criteria: ACMG Guidelines, 2015. Collection method: clinical testing. Allele origin: germline.

Labcorp Genetics (formerly Invitae), Labcorp
Classification: Uncertain significance for Pontocerebellar hypoplasia type 1A. Last evaluated: 2024-01-02. Review status: criteria provided, single submitter. Criteria: Invitae Variant Classification Sherloc (09022015). Collection method: clinical testing. Allele origin: germline.
Comment: This sequence change replaces arginine, which is basic and polar, with cysteine, which is neutral and slightly polar, at codon 133 of the VRK1 protein (p.Arg133Cys). This variant is present in population databases (rs387906830, gnomAD 0.006%). This missense change has been observed in individual(s) with pontocerebellar hypoplasia (PMID: 21937992). ClinVar contains an entry for this variant (Variation ID: 30243). An algorithm developed to predict the effect of missense changes on protein structure and function (PolyPhen-2) suggests that this variant is likely to be disruptive. Experimental studies have shown that this missense change affects VRK1 function (PMID: 31527692). In summary, the available evidence is currently insufficient to determine the role of this variant in disease. Therefore, it has been classified as a Variant of Uncertain Significance.

OMIM
Classification: Pathogenic for PONTOCEREBELLAR HYPOPLASIA, TYPE 1A. Last evaluated: 2011-09-21. Review status: no assertion criteria provided. Collection method: literature only. Allele origin: germline. Not counted in ClinVar's aggregate classification.

Literature cited by the submitters: PubMed 21937992 (cited by 3 submitters); PubMed 31527692 (cited by Myriad Genetics, Inc. and Labcorp Genetics (formerly Invitae), Labcorp); PubMed 38554151 (cited by Myriad Genetics, Inc.).

NM_003384.3(VRK1):c.397C>T (p.Arg133Cys)

Gene: VRK1 (VRK serine/threonine kinase 1; plus strand). Cytogenetic location: 14q32.2.
Variant type: single nucleotide variant.
Coding change: c.397C>T on transcript NM_003384.3 (MANE Select); coding-DNA position 397, C replaced by T.
Protein change: p.Arg133Cys; replaces arginine 133 with cysteine.
Molecular consequence: missense variant.
Genome position (GRCh38, 1-based): chr14:96,852,853, C>T. VCF-style: chr14-96852853-C-T. GRCh37 (hg19) VCF-style: chr14-97319190-C-T.
Other names: short protein forms R133C.
Identifiers: ClinVar variation 30243 (VCV000030243.8), dbSNP rs387906830, ClinGen allele CA129060.
Genomic context (GRCh38, chr14:96,852,853, plus strand): 5'-TTGTATTTTGTTCATTGGCTTTTCATATTTGTCTTCAGTTACAGGTTTATGATAATGGAT[C>T]GCTTTGGGAGTGACCTTCAGAAAATATATGAAGCAAATGCCAAAAGGTTTTCTCGGAAAA-3'
Protein context (NP_003375.1, residues 123-143): GKSYRFMIMD[Arg133Cys]FGSDLQKIYE